The following is an entry in ClinVar:

NM_024642.5(GALNT12):c.176G>T (p.Gly59Val)

Gene: GALNT12 (polypeptide N-acetylgalactosaminyltransferase 12; plus strand). Cytogenetic location: 9q22.33.
Variant type: single nucleotide variant.
Coding change: c.176G>T on transcript NM_024642.5 (MANE Select); coding-DNA position 176, G replaced by T.
Protein change: p.Gly59Val; replaces glycine 59 with valine.
Molecular consequence: missense variant.
Genome position (GRCh38, 1-based): chr9:98,807,874, G>T. VCF-style: chr9-98807874-G-T. GRCh37 (hg19) VCF-style: chr9-101570156-G-T.
Other names: short protein forms G59V.
Identifiers: ClinVar variation 1779770 (VCV001779770.2), dbSNP rs2490455509, ClinGen allele CA374222462.

ClinVar aggregate classification (germline): Uncertain significance (1 of 4 stars; one submission).

Submission:

Ambry Genetics
Classification: Uncertain significance. Last evaluated: 2022-09-12. Review status: criteria provided, single submitter. Criteria: Ambry Variant Classification Scheme 2023. Collection method: clinical testing. Allele origin: germline.
Comment: The p.G59V variant (also known as c.176G>T), located in coding exon 1 of the GALNT12 gene, results from a G to T substitution at nucleotide position 176. The glycine at codon 59 is replaced by valine, an amino acid with dissimilar properties. This amino acid position is conserved. In addition, this alteration is predicted to be tolerated by in silico analysis. Since supporting evidence is limited at this time, the clinical significance of this alteration remains unclear.